The following is an entry in ClinVar:

NM_000138.5(FBN1):c.6740-3C>G

Gene: FBN1 (fibrillin 1; minus strand). Cytogenetic location: 15q21.1.
Variant type: single nucleotide variant.
Coding change: c.6740-3C>G on transcript NM_000138.5 (MANE Select); 3 bases into the intron before coding-DNA position 6740, C replaced by G.
Molecular consequence: intron variant.
Genome position (GRCh38, 1-based): chr15:48,430,805, G>C on the plus strand (C>G on the coding strand, the complement: FBN1 is on the minus strand). VCF-style: chr15-48430805-G-C. GRCh37 (hg19) VCF-style: chr15-48723002-G-C.
Identifiers: ClinVar variation 579934 (VCV000579934.1), dbSNP rs1566894334, ClinGen allele CA891844188.

ClinVar aggregate classification (germline): Likely pathogenic (1 of 4 stars; one submission).

Conditions:
Familial thoracic aortic aneurysm and aortic dissection (TAAD). Also called: Thoracic aortic aneurysms and dissections. Identifiers: Orphanet 91387, MedGen C4707243, MONDO:0019625.
Marfan syndrome (MFS). Also called: FBN1-Related Marfan Syndrome; Marfan syndrome type 1; Marfan's syndrome; Marfan syndrome, classic; MARFAN SYNDROME, TYPE I. Identifiers: Orphanet 284963, Orphanet 558, MedGen C0024796, MONDO:0007947, OMIM 154700.

Submission:

Labcorp Genetics (formerly Invitae), Labcorp
Classification: Likely pathogenic for Marfan syndrome; Thoracic aortic aneurysm and aortic dissection. Last evaluated: 2018-05-17. Review status: criteria provided, single submitter. Criteria: Invitae Variant Classification Sherloc (09022015). Collection method: clinical testing. Allele origin: germline.
Comment: This sequence change falls in intron 55 of the FBN1 gene. It does not directly change the encoded amino acid sequence of the FBN1 protein, but it affects a nucleotide within the consensus splice site of the intron. This variant is not present in population databases (ExAC no frequency). Nucleotide substitutions within the consensus splice site are a relatively common cause of aberrant splicing (PMID: 17576681, 9536098). Algorithms developed to predict the effect of sequence changes on RNA splicing suggest that this variant may disrupt the consensus splice site, but this prediction has not been confirmed by published transcriptional studies. In summary, the currently available evidence indicates that the variant is pathogenic, but additional data are needed to prove that conclusively. Therefore, this variant has been classified as Likely Pathogenic.